The following is an entry in ClinVar:

NM_145290.4(ADGRA3):c.1387G>C (p.Val463Leu)

Gene: ADGRA3 (adhesion G protein-coupled receptor A3; minus strand). Cytogenetic location: 4p15.2.
Variant type: single nucleotide variant.
Coding change: c.1387G>C on transcript NM_145290.4 (MANE Select); coding-DNA position 1387, G replaced by C.
Protein change: p.Val463Leu; replaces valine 463 with leucine.
Molecular consequence: missense variant.
Genome position (GRCh38, 1-based): chr4:22,435,367, C>G on the plus strand (G>C on the coding strand, the complement: ADGRA3 is on the minus strand). VCF-style: chr4-22435367-C-G. GRCh37 (hg19) VCF-style: chr4-22436990-C-G.
Other names: short protein forms V463L.
Identifiers: ClinVar variation 2131058 (VCV002131058.4), dbSNP rs146147575, ClinGen allele CA2873970.
Genomic context (GRCh38, chr4:22,435,367, plus strand): 5'-GTACCTCTTTTGATTTTTCCTCCTTGGTAAATCTTCCAAATTTTTCAATCATTTCTGCCA[C>G]AAATATAACATCCATTTTGTCAGAAAAGTTGGCTGCTTCCACAGTGTAAGCCAGTAACTG-3'
Protein context (NP_660333.2, residues 453-473): NFSDKMDVIF[Val463Leu]AEMIEKFGRF

ClinVar aggregate classification (germline): Uncertain significance (1 of 4 stars; one submission).

Allele frequency attached by ClinVar (database versions not stated): ESP Exome Variant Server 0.00008.

Submission:

Labcorp Genetics (formerly Invitae), Labcorp
Classification: Uncertain significance. Last evaluated: 2022-04-28. Review status: criteria provided, single submitter. Criteria: Invitae Variant Classification Sherloc (09022015). Collection method: clinical testing. Allele origin: germline.
Comment: In summary, the available evidence is currently insufficient to determine the role of this variant in disease. Therefore, it has been classified as a Variant of Uncertain Significance. Algorithms developed to predict the effect of missense changes on protein structure and function are either unavailable or do not agree on the potential impact of this missense change (SIFT: "Deleterious"; PolyPhen-2: "Benign"; Align-GVGD: "Class C0"). This variant has not been reported in the literature in individuals affected with ADGRA3-related conditions. This variant is not present in population databases (gnomAD no frequency). This sequence change replaces valine, which is neutral and non-polar, with leucine, which is neutral and non-polar, at codon 463 of the ADGRA3 protein (p.Val463Leu).